The following is an entry in ClinVar:

NM_014363.6(SACS):c.7647T>G (p.Leu2549=)

Gene: SACS (sacsin molecular chaperone; minus strand). Cytogenetic location: 13q12.12.
Variant type: single nucleotide variant.
Coding change: c.7647T>G on transcript NM_014363.6 (MANE Select); coding-DNA position 7647, T replaced by G.
Protein change: p.Leu2549=; no amino-acid change (leucine 2549 retained).
Molecular consequence: synonymous variant.
Genome position (GRCh38, 1-based): chr13:23,336,229, A>C on the plus strand (T>G on the coding strand, the complement: SACS is on the minus strand). VCF-style: chr13-23336229-A-C. GRCh37 (hg19) VCF-style: chr13-23910368-A-C.
Other names: c.7206T>G, p.Leu2402= (NM_001278055.2); c.7647T>G (NM_014363.4).
Identifiers: ClinVar variation 311524 (VCV000311524.24), dbSNP rs186301471, ClinGen allele CA6910879.

ClinVar aggregate classification (germline): Conflicting classifications of pathogenicity. Review status: criteria provided, conflicting classifications (1 of 4 stars). 8 submissions from 8 submitters: Uncertain significance (2); Benign (1); Likely benign (4). 1 of the submissions does not count toward it. Last evaluated 2026-03-04.

Conditions:
SACS-related disorder. Also called: SACS-related condition.
Spastic paraplegia. Identifiers: MedGen C0037772, HP:0001258.
Charlevoix-Saguenay spastic ataxia (SACS). Also called: SPASTIC ATAXIA 6, AUTOSOMAL RECESSIVE; AUTOSOMAL RECESSIVE SPASTIC ATAXIA OF CHARLEVOIX-SAGUENAY; Spastic ataxia of Charlevoix-Saguenay. Identifiers: Orphanet 98, MedGen C1849140, MONDO:0010041, OMIM 270550.
Hereditary spastic paraplegia. Also called: Familial spastic paraparesis. Identifiers: Orphanet 685, MedGen C0037773, MONDO:0019064. Disease mechanism: loss of function.

Allele frequency attached by ClinVar (database versions not stated): gnomAD exomes 0.00002 and 0.00012; TOPMed 0.00011; ExAC 0.00012; 1000 Genomes Project 30x 0.00016; gnomAD 0.00016 and 0.00019; 1000 Genomes Project 0.00020.
gnomAD v4.1: 118 of 1,614,078 alleles (0.0073%); highest among the groups gnomAD compares: East Asian, 0.062%; 4 homozygotes.

Submissions (8):

PreventionGenetics, part of Exact Sciences
Classification: Likely benign for SACS-related condition. Last evaluated: 2026-03-04. Review status: criteria provided, single submitter. Criteria: ACMG Guidelines, 2015. Collection method: clinical testing. Allele origin: germline.
Comment: This variant is classified as likely benign based on ACMG/AMP sequence variant interpretation guidelines (Richards et al. 2015 PMID: 25741868, with internal and published modifications).

Labcorp Genetics (formerly Invitae), Labcorp
Classification: Likely benign for Spastic paraplegia. Last evaluated: 2026-01-20. Review status: criteria provided, single submitter. Criteria: Invitae Variant Classification Sherloc (09022015). Collection method: clinical testing. Allele origin: germline.

Athena Diagnostics
Classification: Benign. Last evaluated: 2025-08-27. Review status: criteria provided, single submitter. Criteria: Athena Diagnostics Criteria. Collection method: clinical testing. Allele origin: unknown.
Comment: The frequency of this variant in the general population is higher than would generally be expected for pathogenic variants in this gene. Computational tools yielded predictions that this variant is unlikely to have an effect on normal RNA splicing. This nucleotide position exhibits low evolutionary conservation.

Blueprint Genetics
Classification: Likely benign. Last evaluated: 2024-10-23. Review status: criteria provided, single submitter. Criteria: ACMG Guidelines, 2015. Collection method: clinical testing. Allele origin: germline.

Genome-Nilou Lab
Classification: Likely benign for Charlevoix-Saguenay spastic ataxia. Last evaluated: 2021-09-05. Review status: criteria provided, single submitter. Criteria: ACMG Guidelines, 2015. Collection method: clinical testing. Allele origin: germline. Affected: no.

Illumina Laboratory Services, Illumina
Classification: Uncertain significance for Charlevoix-Saguenay spastic ataxia. Last evaluated: 2018-01-13. Review status: criteria provided, single submitter. Criteria: ICSL Variant Classification Criteria 13 December 2019. Collection method: clinical testing. Allele origin: germline.

Genome Diagnostics Laboratory, The Hospital for Sick Children
Classification: Uncertain significance for Hereditary spastic paraplegia. Last evaluated: 2017-10-02. Review status: criteria provided, single submitter. Criteria: ACMG Guidelines, 2015. Collection method: clinical testing. Allele origin: germline. Affected: yes.

Natera, Inc.
Classification: Likely benign for Charlevoix-Saguenay type spastic ataxia. Last evaluated: 2020-04-29. Review status: no assertion criteria provided. Collection method: clinical testing. Allele origin: germline. Not counted in ClinVar's aggregate classification.